The following is an entry in ClinVar:

ClinVar aggregate classification (germline): Uncertain significance. Review status: criteria provided, multiple submitters, no conflicts (2 of 4 stars). 5 submissions from 5 submitters: Uncertain significance (4). 1 of the submissions does not count toward it. Last evaluated 2024-05-07.

Conditions:
Fanconi anemia (FA). Also called: Fanconi's anemia. Identifiers: Orphanet 84, MedGen C0015625, MeSH D005199, MONDO:0019391.
Fanconi anemia complementation group A (FANCA). Also called: Fanconi anemia, group A; FANCA-Related Fanconi Anemia. Identifiers: Orphanet 84, MedGen C3469521, MONDO:0009215, OMIM 227650.

Allele frequency attached by ClinVar (database versions not stated): gnomAD 0.00001; TOPMed 0.00002; gnomAD exomes 0.00004; ExAC 0.00005; 1000 Genomes Project 30x 0.00016; 1000 Genomes Project 0.00020.
gnomAD v4.1: 13 of 1,613,706 alleles (0.00081%); highest among the groups gnomAD compares: Admixed American, 0.022%; no homozygotes.

Submissions (5):

Quest Diagnostics Nichols Institute San Juan Capistrano
Classification: Uncertain significance. Last evaluated: 2024-05-07. Review status: criteria provided, single submitter. Criteria: Quest Diagnostics criteria. Collection method: clinical testing. Allele origin: unknown.
Comment: The FANCA c.1359+5G>C variant has not been reported in individuals with FANCA-related conditions in the published literature. The frequency of this variant in the general population, 0.00032 (11/34454 chromosomes (Genome Aggregation Database)), is uninformative in the assessment of its pathogenicity. Analysis of this variant using software algorithms for the prediction of the effect of nucleotide changes on FANCA mRNA splicing yielded inconclusive findings. Based on the available information, we are unable to determine the clinical significance of this variant.

Labcorp Genetics (formerly Invitae), Labcorp
Classification: Uncertain significance for Fanconi anemia. Last evaluated: 2022-10-09. Review status: criteria provided, single submitter. Criteria: Invitae Variant Classification Sherloc (09022015). Collection method: clinical testing. Allele origin: germline.
Comment: This sequence change falls in intron 14 of the FANCA gene. It does not directly change the encoded amino acid sequence of the FANCA protein. It affects a nucleotide within the consensus splice site. This variant is present in population databases (rs183569738, gnomAD 0.03%). This variant has not been reported in the literature in individuals affected with FANCA-related conditions. ClinVar contains an entry for this variant (Variation ID: 429863). Variants that disrupt the consensus splice site are a relatively common cause of aberrant splicing (PMID: 17576681, 9536098). Algorithms developed to predict the effect of sequence changes on RNA splicing suggest that this variant is not likely to affect RNA splicing. In summary, the available evidence is currently insufficient to determine the role of this variant in disease. Therefore, it has been classified as a Variant of Uncertain Significance.

Fulgent Genetics
Classification: Uncertain significance for Fanconi anemia complementation group A. Last evaluated: 2022-02-03. Review status: criteria provided, single submitter. Criteria: ACMG Guidelines, 2015. Collection method: clinical testing. Allele origin: unknown.

GeneDx
Classification: Uncertain significance. Last evaluated: 2017-05-15. Review status: criteria provided, single submitter. Criteria: GeneDx Variant Classification (06012015). Collection method: clinical testing. Allele origin: germline. Affected: yes.
Comment: The c.1359+5G>C variant in the FANCA gene has not been reported previously as a pathogenic variant nor as a benign variant, to our knowledge. In silico analysis predicts the natural splice donor site may be damaged. However, in the absence of RNA/functional studies, the actual effect of the c.1359+5G>C change in this individual is unknown. The c.1359+5G>C variant is observed in 5/10466 (0.05%) alleles from individuals of Latino background, in the ExAC dataset (Lek et al., 2016). We interpret c.1359+5G>C as a variant of uncertain significance.

Natera, Inc.
Classification: Uncertain significance for Fanconi anemia. Last evaluated: 2019-10-28. Review status: no assertion criteria provided. Collection method: clinical testing. Allele origin: germline. Not counted in ClinVar's aggregate classification.

Literature cited by the submitters: PubMed 17576681 (cited by Labcorp Genetics (formerly Invitae), Labcorp); PubMed 9536098 (cited by Labcorp Genetics (formerly Invitae), Labcorp).

NM_000135.4(FANCA):c.1359+5G>C

Gene: FANCA (FA complementation group A; minus strand). Cytogenetic location: 16q24.3.
Variant type: single nucleotide variant.
Coding change: c.1359+5G>C on transcript NM_000135.4 (MANE Select); 5 bases into the intron after coding-DNA position 1359, G replaced by C.
Molecular consequence: intron variant.
Genome position (GRCh38, 1-based): chr16:89,791,398, C>G on the plus strand (G>C on the coding strand, the complement: FANCA is on the minus strand). VCF-style: chr16-89791398-C-G. GRCh37 (hg19) VCF-style: chr16-89857806-C-G.
Other names: c.1359+5G>C (LRG_495t1, NM_001286167.3, NM_000135.3).
Identifiers: ClinVar variation 429863 (VCV000429863.10), dbSNP rs183569738, ClinGen allele CA8252393.